The following is an entry in ClinVar:

NM_003136.4(SRP54):c.1048-3T>C

Gene: SRP54 (signal recognition particle 54; plus strand). Cytogenetic location: 14q13.2.
Variant type: single nucleotide variant.
Coding change: c.1048-3T>C on transcript NM_003136.4 (MANE Select); 3 bases into the intron before coding-DNA position 1048, T replaced by C.
Molecular consequence: intron variant.
Genome position (GRCh38, 1-based): chr14:35,018,963, T>C. VCF-style: chr14-35018963-T-C. GRCh37 (hg19) VCF-style: chr14-35488169-T-C.
Other names: c.1048-3T>C (NM_001411017.1); c.901-3T>C (NM_001146282.2).
Identifiers: ClinVar variation 3630767 (VCV003630767.2).

ClinVar aggregate classification (germline): Uncertain significance (1 of 4 stars; one submission).

Submission:

Labcorp Genetics (formerly Invitae), Labcorp
Classification: Uncertain significance. Last evaluated: 2024-04-09. Review status: criteria provided, single submitter. Criteria: Invitae Variant Classification Sherloc (09022015). Collection method: clinical testing. Allele origin: germline.
Comment: This sequence change falls in intron 12 of the SRP54 gene. It does not directly change the encoded amino acid sequence of the SRP54 protein. It affects a nucleotide within the consensus splice site. This variant is not present in population databases (gnomAD no frequency). This variant has not been reported in the literature in individuals affected with SRP54-related conditions. Variants that disrupt the consensus splice site are a relatively common cause of aberrant splicing (PMID: 17576681, 9536098). Algorithms developed to predict the effect of sequence changes on RNA splicing suggest that this variant is not likely to affect RNA splicing. In summary, the available evidence is currently insufficient to determine the role of this variant in disease. Therefore, it has been classified as a Variant of Uncertain Significance.

Literature cited by the submitters: PubMed 17576681; PubMed 9536098.